The following is an entry in ClinVar:

ClinVar aggregate classification (germline): Pathogenic (1 of 4 stars; one submission).

Conditions:
6-Pyruvoyl-tetrahydrobiopterin synthase deficiency. Also called: 6-Pyruvoyltetrahydropterin Synthase Deficiency; Hyperphenylalanemia, BH4-deficient, A; Hyperphenylalaninemia due to 6-pyruvoyl-tetrahydropterin synthase deficiency; BH4-deficient hyperphenylalaninemia A; PTS DEFICIENCY; HYPERPHENYLALANINEMIA, TETRAHYDROBIOPTERIN-DEFICIENT, DUE TO PTS DEFICIENCY. Identifiers: Orphanet 13, Orphanet 238583, MedGen C0878676, MONDO:0009863, OMIM 261640.

Submission:

Labcorp Genetics (formerly Invitae), Labcorp
Classification: Pathogenic for 6-Pyruvoyl-tetrahydrobiopterin synthase deficiency. Last evaluated: 2018-11-28. Review status: criteria provided, single submitter. Criteria: Invitae Variant Classification Sherloc (09022015). Collection method: clinical testing. Allele origin: germline.
Comment: For these reasons, this variant has been classified as Pathogenic. Loss-of-function variants in PTS are known to be pathogenic (PMID: 3297709, 16917893). This variant has not been reported in the literature in individuals with PTS-related disease. This variant is not present in population databases (ExAC no frequency). This sequence change creates a premature translational stop signal (p.Tyr53*) in the PTS gene. It is expected to result in an absent or disrupted protein product.

Literature cited by the submitters: PubMed 3297709; PubMed 16917893.

NM_000317.3(PTS):c.159T>G (p.Tyr53Ter)

Gene: PTS (6-pyruvoyltetrahydropterin synthase; plus strand). Cytogenetic location: 11q23.1.
Variant type: single nucleotide variant.
Coding change: c.159T>G on transcript NM_000317.3 (MANE Select); coding-DNA position 159, T replaced by G.
Protein change: p.Tyr53Ter; replaces tyrosine 53 with a stop codon.
Molecular consequence: nonsense.
Genome position (GRCh38, 1-based): chr11:112,228,669, T>G. VCF-style: chr11-112228669-T-G. GRCh37 (hg19) VCF-style: chr11-112099392-T-G.
Other names: short protein forms Y53*.
Identifiers: ClinVar variation 638994 (VCV000638994.7), dbSNP rs781197929, ClinGen allele CA382627131.